The following is an entry in ClinVar:

ClinVar aggregate classification (germline): Conflicting classifications of pathogenicity. Review status: criteria provided, conflicting classifications (1 of 4 stars). 2 submissions from 2 submitters: Uncertain significance (1); Likely benign (1). Last evaluated 2025-10-02.

Allele frequency attached by ClinVar (database versions not stated): gnomAD 0.00007; gnomAD exomes 0.00011; ExAC 0.00013.
gnomAD v4.1: 172 of 1,614,038 alleles (0.011%); highest among the groups gnomAD compares: South Asian, 0.064%; 1 homozygote.

Submissions (2):

Ambry Genetics
Classification: Likely benign. Last evaluated: 2025-10-02. Review status: criteria provided, single submitter. Criteria: Ambry Variant Classification Scheme 2023. Collection method: clinical testing. Allele origin: germline.

CeGaT Center for Human Genetics Tuebingen
Classification: Uncertain significance. Last evaluated: 2024-04-01. Review status: criteria provided, single submitter. Criteria: CeGaT Center For Human Genetics Tuebingen Variant Classification Criteria Version 2. Collection method: clinical testing. Allele origin: germline. Affected: yes. Observed: 1 variant allele.
Comment: PLEKHG2: PM2, BP4

NM_022835.3(PLEKHG2):c.3818A>G (p.Asn1273Ser)

Gene: PLEKHG2 (pleckstrin homology and RhoGEF domain containing G2; plus strand). Cytogenetic location: 19q13.2.
Variant type: single nucleotide variant.
Coding change: c.3818A>G on transcript NM_022835.3 (MANE Select); coding-DNA position 3818, A replaced by G.
Protein change: p.Asn1273Ser; replaces asparagine 1273 with serine.
Molecular consequence: missense variant. On other transcripts: intron variant (2).
Genome position (GRCh38, 1-based): chr19:39,424,951, A>G. VCF-style: chr19-39424951-A-G. GRCh37 (hg19) VCF-style: chr19-39915591-A-G.
Other names: c.3572+69A>G (NM_001351693.2); c.1678-287A>G (NM_001351694.2); c.3818A>G (NM_022835.2); short protein forms N1273S.
Identifiers: ClinVar variation 3234448 (VCV003234448.20), dbSNP rs748396149, ClinGen allele CA9430059.